The following is an entry in ClinVar:

NM_000301.5(PLG):c.2362A>T (p.Asn788Tyr)

Gene: PLG (plasminogen; plus strand). Cytogenetic location: 6q26.
Variant type: single nucleotide variant.
Coding change: c.2362A>T on transcript NM_000301.5 (MANE Select); coding-DNA position 2362, A replaced by T.
Protein change: p.Asn788Tyr; replaces asparagine 788 with tyrosine.
Molecular consequence: missense variant.
Genome position (GRCh38, 1-based): chr6:160,752,990, A>T. VCF-style: chr6-160752990-A-T. GRCh37 (hg19) VCF-style: chr6-161174022-A-T.
Other names: short protein forms N788Y.
Identifiers: ClinVar variation 2782310 (VCV002782310.3), dbSNP rs1043808323, ClinGen allele CA151246600.

ClinVar aggregate classification (germline): Uncertain significance (1 of 4 stars; one submission).

Allele frequency attached by ClinVar (database versions not stated): TOPMed below 0.00001; gnomAD exomes 0.00001.
gnomAD v4.1: 6 of 1,608,442 alleles (0.00037%); highest among the groups gnomAD compares: Middle Eastern, 0.017%; no homozygotes.

Submission:

Labcorp Genetics (formerly Invitae), Labcorp
Classification: Uncertain significance. Last evaluated: 2023-07-06. Review status: criteria provided, single submitter. Criteria: Invitae Variant Classification Sherloc (09022015). Collection method: clinical testing. Allele origin: germline.
Comment: This sequence change replaces asparagine, which is neutral and polar, with tyrosine, which is neutral and polar, at codon 788 of the PLG protein (p.Asn788Tyr). This variant is present in population databases (no rsID available, gnomAD 0.0009%). This variant has not been reported in the literature in individuals affected with PLG-related conditions. Advanced modeling of protein sequence and biophysical properties (such as structural, functional, and spatial information, amino acid conservation, physicochemical variation, residue mobility, and thermodynamic stability) performed at Invitae indicates that this missense variant is not expected to disrupt PLG protein function. In summary, the available evidence is currently insufficient to determine the role of this variant in disease. Therefore, it has been classified as a Variant of Uncertain Significance.